The following is an entry in ClinVar:

NM_001040716.2(PC):c.561C>T (p.Tyr187=)

Gene: PC (pyruvate carboxylase; minus strand). Cytogenetic location: 11q13.2.
Variant type: single nucleotide variant.
Coding change: c.561C>T on transcript NM_001040716.2 (MANE Select); coding-DNA position 561, C replaced by T.
Protein change: p.Tyr187=; no amino-acid change (tyrosine 187 retained).
Molecular consequence: synonymous variant.
Genome position (GRCh38, 1-based): chr11:66,871,124, G>A on the plus strand (C>T on the coding strand, the complement: PC is on the minus strand). VCF-style: chr11-66871124-G-A. GRCh37 (hg19) VCF-style: chr11-66638595-G-A.
Other names: c.561C>T, p.Tyr187= (NM_000920.4, NM_022172.3).
Identifiers: ClinVar variation 737017 (VCV000737017.14), dbSNP rs145333590, ClinGen allele CA6132186.

ClinVar aggregate classification (germline): Likely benign. Review status: criteria provided, multiple submitters, no conflicts (2 of 4 stars). 4 submissions from 4 submitters: Likely benign (4). Last evaluated 2026-04-01.

Conditions:
Pyruvate carboxylase deficiency. Also called: Pyruvate Carboxylase Deficiency Disease; ATAXIA WITH LACTIC ACIDOSIS II; LEIGH NECROTIZING ENCEPHALOPATHY DUE TO PYRUVATE CARBOXYLASE DEFICIENCY; LEIGH SYNDROME DUE TO PYRUVATE CARBOXYLASE DEFICIENCY; PC DEFICIENCY. Identifiers: Orphanet 3008, MedGen C0034341, MONDO:0009949, OMIM 266150.

Allele frequency attached by ClinVar (database versions not stated): ExAC 0.00012; ESP Exome Variant Server 0.00015; gnomAD 0.00004 and 0.00005; gnomAD exomes 0.00005 and 0.00008; TOPMed 0.00005.
gnomAD v4.1: 85 of 1,613,816 alleles (0.0053%); highest among the groups gnomAD compares: South Asian, 0.0066%; no homozygotes.

Submissions (4):

CeGaT Center for Human Genetics Tuebingen
Classification: Likely benign. Last evaluated: 2026-04-01. Review status: criteria provided, single submitter. Criteria: CeGaT Center For Human Genetics Tuebingen Variant Classification Criteria Version 2. Collection method: clinical testing. Allele origin: germline. Affected: yes. Observed: 1 variant allele.
Comment: PC: BP4, BP7

Labcorp Genetics (formerly Invitae), Labcorp
Classification: Likely benign for Pyruvate carboxylase deficiency. Last evaluated: 2026-01-26. Review status: criteria provided, single submitter. Criteria: Invitae Variant Classification Sherloc (09022015). Collection method: clinical testing. Allele origin: germline.

Blueprint Genetics
Classification: Likely benign. Last evaluated: 2024-11-23. Review status: criteria provided, single submitter. Criteria: ACMG Guidelines, 2015. Collection method: clinical testing. Allele origin: germline.

Fulgent Genetics
Classification: Likely benign for Pyruvate carboxylase deficiency. Last evaluated: 2021-12-15. Review status: criteria provided, single submitter. Criteria: ACMG Guidelines, 2015. Collection method: clinical testing. Allele origin: unknown.